The following is an entry in ClinVar:

ClinVar aggregate classification (germline): Likely benign (1 of 4 stars; one submission).

Allele frequency attached by ClinVar (database versions not stated): gnomAD 0.00001.
gnomAD v4.1: 1 of 153,016 alleles (0.00065%); highest among the groups gnomAD compares: Non-Finnish European, 0.0015%; no homozygotes.

Submission:

GeneDx
Classification: Likely benign. Last evaluated: 2017-03-07. Review status: criteria provided, single submitter. Criteria: GeneDx Variant Classification (06012015). Collection method: clinical testing. Allele origin: germline. Affected: yes.
Comment: This variant is considered likely benign or benign based on one or more of the following criteria: it is a conservative change, it occurs at a poorly conserved position in the protein, it is predicted to be benign by multiple in silico algorithms, and/or has population frequency not consistent with disease.

NC_000016.10:g.30053492C>T

Genes: ALDOA (aldolase, fructose-bisphosphate A; plus strand), LOC112694756 (uncharaterized LOC112694756; plus strand). Cytogenetic location: 16p11.2.
Variant type: single nucleotide variant.
Molecular consequence: 5 prime UTR variant (on NM_001365304.2).
Genome position: GRCh38 VCF-style: chr16-30053492-C-T. GRCh37 (hg19) VCF-style: chr16-30064813-C-T.
Other names: c.-2C>T (NM_001365304.2, NM_001365305.2, NM_001365307.2).
Identifiers: ClinVar variation 507732 (VCV000507732.1), dbSNP rs1393272651, ClinGen allele CA621822874.